The following is an entry in ClinVar:

NM_000218.3(KCNQ1):c.1394-12553A>G

Genes: KCNQ1 (potassium voltage-gated channel subfamily Q member 1; plus strand), KCNQ1OT1 (KCNQ1 opposite strand/antisense transcript 1; minus strand). Cytogenetic location: 11p15.5.
Variant type: single nucleotide variant.
Coding change: c.1394-12553A>G on transcript NM_000218.3 (MANE Select); 12553 bases into the intron before coding-DNA position 1394, A replaced by G.
Molecular consequence: intron variant. On other transcripts: non-coding transcript variant (1).
Genome position (GRCh38, 1-based): chr11:2,649,408, A>G. VCF-style: chr11-2649408-A-G. GRCh37 (hg19) VCF-style: chr11-2670638-A-G.
Other names: c.1124-12553A>G (NM_001406837.1); c.1298-12553A>G (NM_001406836.1); c.854-12553A>G (NM_001406838.1); c.1013-12553A>G (NM_181798.2).
Identifiers: ClinVar variation 2641431 (VCV002641431.24), dbSNP rs552517870, ClinGen allele CA216161619.

ClinVar aggregate classification (germline): Benign (1 of 4 stars; one submission).

Allele frequency attached by ClinVar (database versions not stated): TOPMed 0.00094; gnomAD exomes 0.00106.
gnomAD v4.1: 378 of 398,428 alleles (0.095%); highest among the groups gnomAD compares: Non-Finnish European, 0.15%; no homozygotes.

Submission:

CeGaT Center for Human Genetics Tuebingen
Classification: Benign. Last evaluated: 2025-07-01. Review status: criteria provided, single submitter. Criteria: CeGaT Center For Human Genetics Tuebingen Variant Classification Criteria Version 2. Collection method: clinical testing. Allele origin: germline. Affected: yes. Observed: 7 variant alleles.
Comment: KCNQ1OT1: BS1, BS2